The following is an entry in ClinVar:

ClinVar aggregate classification (germline): Uncertain significance (1 of 4 stars; one submission).

Conditions:
Hereditary pancreatitis (PCTT). Also called: Hereditary chronic pancreatitis; PRSS1-Related Hereditary Pancreatitis. Identifiers: Orphanet 676, MedGen C0238339, MONDO:0008185, OMIM 167800.

Submission:

Labcorp Genetics (formerly Invitae), Labcorp
Classification: Uncertain significance for Hereditary pancreatitis. Last evaluated: 2025-07-27. Review status: criteria provided, single submitter. Criteria: Invitae Variant Classification Sherloc (09022015). Collection method: clinical testing. Allele origin: germline.
Comment: This sequence change replaces glycine, which is neutral and non-polar, with valine, which is neutral and non-polar, at codon 202 of the PRSS1 protein (p.Gly202Val). This variant is not present in population databases (gnomAD no frequency). This variant has not been reported in the literature in individuals affected with PRSS1-related conditions. Invitae Evidence Modeling of protein sequence and biophysical properties (such as structural, functional, and spatial information, amino acid conservation, physicochemical variation, residue mobility, and thermodynamic stability) indicates that this missense variant is expected to disrupt PRSS1 protein function with a positive predictive value of 80%. In summary, the available evidence is currently insufficient to determine the role of this variant in disease. Therefore, it has been classified as a Variant of Uncertain Significance.

NM_002769.5(PRSS1):c.605G>T (p.Gly202Val)

Genes: PRSS1 (serine protease 1; plus strand), TRB (T cell receptor beta locus; plus strand). Cytogenetic location: 7q34.
Variant type: single nucleotide variant.
Coding change: c.605G>T on transcript NM_002769.5 (MANE Select); coding-DNA position 605, G replaced by T.
Protein change: p.Gly202Val; replaces glycine 202 with valine.
Molecular consequence: missense variant. On other transcripts: non-coding transcript variant (5).
Genome position (GRCh38, 1-based): chr7:142,752,881, G>T. VCF-style: chr7-142752881-G-T. GRCh37 (hg19) VCF-style: chr7-142460732-G-T.
Other names: short protein forms G202V.
Identifiers: ClinVar variation 4744467 (VCV004744467.1).
Genomic context (GRCh38, chr7:142,752,881, plus strand): 5'-TATTCCTCCTCCATCTCTCCATACAACTTGTCCCTTCTTCCCCCCAGGGTGATTCTGGTG[G>T]CCCTGTGGTCTGCAATGGACAGCTCCAAGGAGTTGTCTCCTGGGGTGATGGCTGTGCCCA-3'
Protein context (NP_002760.1, residues 192-212): GKDSCQGDSG[Gly202Val]PVVCNGQLQG